The following is an entry in ClinVar:

ClinVar aggregate classification (germline): Uncertain significance (1 of 4 stars; one submission).

Submission:

ISCA site 4
Classification: Uncertain significance. Last evaluated: 2011-08-12. Review status: criteria provided, single submitter. Criteria: Kaminsky et al. (Genet Med. 2011). Collection method: clinical testing. Allele origin: maternal. Affected: yes. Observed: 1 variant allele.
Comment: Copy number variation identified through the course of routine clinical cytogenomic testing in postnatal populations. Clinical assertions have been curated as described in Kaminsky et al. 2011.

GRCh38/hg38 22q11.23(chr22:24884631-25299561)x3

Genes: CRYBB2 (crystallin beta B2; plus strand), CRYBB3 (crystallin beta B3; plus strand), KIAA1671 (KIAA1671; plus strand), KIAA1671-AS1 (KIAA1671 antisense RNA 1; minus strand), LHFPL7 (LHFPL tetraspan subfamily member 7; minus strand) and 10 more. Cytogenetic location: 22q11.23.
Variant type: copy number gain.
Change: copy number 3 (three copies instead of two) of chr22:24,884,631-25,299,561 (414.9 kb, GRCh38 coordinates, 1-based), cytogenetic band 22q11.23.
Identifiers: ClinVar variation 57499 (VCV000057499.1).